The following is an entry in ClinVar:

NM_000553.6(WRN):c.1989G>A (p.Thr663=)

Gene: WRN (WRN RecQ like helicase; plus strand). Cytogenetic location: 8p12.
Variant type: single nucleotide variant.
Coding change: c.1989G>A on transcript NM_000553.6 (MANE Select); coding-DNA position 1989, G replaced by A.
Protein change: p.Thr663=; no amino-acid change (threonine 663 retained).
Molecular consequence: synonymous variant.
Genome position (GRCh38, 1-based): chr8:31,100,856, G>A. VCF-style: chr8-31100856-G-A. GRCh37 (hg19) VCF-style: chr8-30958372-G-A.
Identifiers: ClinVar variation 412701 (VCV000412701.35), dbSNP rs201982706, ClinGen allele CA4704596.

ClinVar aggregate classification (germline): Benign/Likely benign. Review status: criteria provided, multiple submitters, no conflicts (2 of 4 stars). 3 submissions from 3 submitters: Benign (1); Likely benign (2). Last evaluated 2025-08-30.

Conditions:
Werner syndrome (WRN). Identifiers: Orphanet 902, MedGen C0043119, MONDO:0010196, OMIM 277700.

Allele frequency attached by ClinVar (database versions not stated): gnomAD exomes 0.00007 and 0.00008; ExAC 0.00009; 1000 Genomes Project 30x 0.00016; 1000 Genomes Project 0.00020; TOPMed 0.00033; gnomAD 0.00038.
gnomAD v4.1: 148 of 1,613,026 alleles (0.0092%); highest among the groups gnomAD compares: African/African-American, 0.096%; 1 homozygote.

Submissions (3):

Labcorp Genetics (formerly Invitae), Labcorp
Classification: Likely benign for Werner syndrome. Last evaluated: 2025-08-30. Review status: criteria provided, single submitter. Criteria: Invitae Variant Classification Sherloc (09022015). Collection method: clinical testing. Allele origin: germline.

KCCC/NGS Laboratory, Kuwait Cancer Control Center
Classification: Benign for Werner syndrome. Last evaluated: 2025-02-01. Review status: criteria provided, single submitter. Criteria: ACMG Guidelines, 2015. Collection method: clinical testing. Allele origin: germline. Affected: no.

CeGaT Center for Human Genetics Tuebingen
Classification: Likely benign. Last evaluated: 2024-08-01. Review status: criteria provided, single submitter. Criteria: CeGaT Center For Human Genetics Tuebingen Variant Classification Criteria Version 2. Collection method: clinical testing. Allele origin: germline. Affected: yes. Observed: 3 variant alleles.
Comment: WRN: BP4, BP7